The following is an entry in ClinVar:

NM_020822.3(KCNT1):c.3502G>A (p.Asp1168Asn)

Gene: KCNT1 (potassium sodium-activated channel subfamily T member 1; plus strand). Cytogenetic location: 9q34.3.
Variant type: single nucleotide variant.
Coding change: c.3502G>A on transcript NM_020822.3 (MANE Select); coding-DNA position 3502, G replaced by A.
Protein change: p.Asp1168Asn; replaces aspartic acid 1168 with asparagine.
Molecular consequence: missense variant.
Genome position (GRCh38, 1-based): chr9:135,786,521, G>A. VCF-style: chr9-135786521-G-A. GRCh37 (hg19) VCF-style: chr9-138678367-G-A.
Other names: c.3367G>A, p.Glu1123Lys (NM_001272003.2); short protein forms D1168N, E1123K.
Identifiers: ClinVar variation 473392 (VCV000473392.55), dbSNP rs747317425, ClinGen allele CA5327832.

ClinVar aggregate classification (germline): Likely benign. Review status: criteria provided, multiple submitters, no conflicts (2 of 4 stars). 3 submissions from 3 submitters: Likely benign (3). Last evaluated 2025-10-08.

Conditions:
Autosomal dominant nocturnal frontal lobe epilepsy 5. Also called: KCNT1-Related Epilepsy; CILIARY DYSKINESIA, PRIMARY, 28, WITHOUT SITUS INVERSUS; CILIARY DYSKINESIA, PRIMARY, 28, WITH SITUS INVERSUS; Epilepsy, nocturnal frontal lobe, 5. Identifiers: Orphanet 98784, MedGen C3554306, MONDO:0014002, OMIM 615005.
Developmental and epileptic encephalopathy, 14 (DEE14). Also called: Early infantile epileptic encephalopathy 14. Identifiers: Orphanet 293181, MedGen C3554195, MONDO:0013989, OMIM 614959.

Allele frequency attached by ClinVar (database versions not stated): gnomAD 0.00002; TOPMed 0.00002; gnomAD exomes 0.00003 and 0.00007; ExAC 0.00010.
gnomAD v4.1: 43 of 1,589,394 alleles (0.0027%); highest among the groups gnomAD compares: East Asian, 0.039%; no homozygotes.

Submissions (3):

Labcorp Genetics (formerly Invitae), Labcorp
Classification: Likely benign for Autosomal dominant nocturnal frontal lobe epilepsy 5; Developmental and epileptic encephalopathy, 14. Last evaluated: 2025-10-08. Review status: criteria provided, single submitter. Criteria: Invitae Variant Classification Sherloc (09022015). Collection method: clinical testing. Allele origin: germline.

CeGaT Center for Human Genetics Tuebingen
Classification: Likely benign. Last evaluated: 2024-10-01. Review status: criteria provided, single submitter. Criteria: CeGaT Center For Human Genetics Tuebingen Variant Classification Criteria Version 2. Collection method: clinical testing. Allele origin: germline. Affected: yes. Observed: 2 variant alleles.
Comment: KCNT1: BS2

GeneDx
Classification: Likely benign. Last evaluated: 2019-07-08. Review status: criteria provided, single submitter. Criteria: GeneDx Variant Classification Process June 2021. Collection method: clinical testing. Allele origin: germline. Affected: yes.